The following is an entry in ClinVar:

NM_001385.3(DPYS):c.1092+5del

Gene: DPYS (dihydropyrimidinase; minus strand). Cytogenetic location: 8q22.3.
Variant type: Deletion.
Coding change: c.1092+5del on transcript NM_001385.3 (MANE Select); 5 bases into the intron after coding-DNA position 1092, one base deleted (G; older notation c.1092+5delG).
Molecular consequence: intron variant.
Genome position (GRCh38, 1-based): chr8:104,427,975, C deleted on the plus strand (G on the coding strand, the reverse complement: DPYS is on the minus strand); the first of 3 consecutive C bases (chr8:104,427,975-104,427,977); deleting any one gives the same sequence. VCF-style (leftmost placement, unchanged base first): chr8-104427974-AC-A. GRCh37 (hg19) VCF-style: chr8-105440202-AC-A.
Other names: NC_000008.10:g.105440205del; c.1092+3del (NM_001385.3); c.1092+5delG (NM_001385.3).
Identifiers: ClinVar variation 2735195 (VCV002735195.6), dbSNP rs756733436, ClinGen allele CA4838371.

ClinVar aggregate classification (germline): Likely pathogenic. Review status: criteria provided, multiple submitters, no conflicts (2 of 4 stars). 3 submissions from 3 submitters: Likely pathogenic (3). Last evaluated 2025-12-23.

Conditions:
Dihydropyrimidinase deficiency (DPYSD). Also called: DPH DEFICIENCY; DPYS DEFICIENCY; dihydropyrimidinuria. Identifiers: Orphanet 38874, MedGen C0342803, MONDO:0009111, OMIM 222748.

Submissions (4):

Women's Health and Genetics/Laboratory Corporation of America, LabCorp
Classification: Likely pathogenic for Dihydropyrimidinase deficiency. Last evaluated: 2025-12-23. Review status: criteria provided, single submitter. Criteria: LabCorp Variant Classification Summary - May 2015. Collection method: clinical testing. Allele origin: germline.
Comment: Variant summary: DPYS c.1092+5delG alters a nucleotide located close to a canonical splice site and therefore could affect mRNA splicing, leading to a significantly altered protein sequence. Several computational tools predict a significant impact on normal splicing: Two predict the variant abolishes a 5' splicing donor site. However, these predictions have yet to be confirmed by functional studies. The variant allele was found at a frequency of 3.6e-05 in 251440 control chromosomes. c.1092+5delG has been observed in individual(s) affected with Dihydropyrimidinase Deficiency. These data indicate that the variant is likely to be associated with disease. To our knowledge, no experimental evidence demonstrating an impact on protein function has been reported. The following publication have been ascertained in the context of this evaluation (PMID: 20362666). ClinVar contains an entry for this variant (Variation ID: 2735195). Based on the evidence outlined above, the variant was classified as likely pathogenic.

Victorian Clinical Genetics Services, Murdoch Childrens Research Institute
Classification: Likely pathogenic for Dihydropyrimidinase deficiency. Last evaluated: 2024-10-09. Review status: criteria provided, single submitter. Criteria: ACMG Guidelines, 2015. Collection method: clinical testing. Allele origin: germline. Inheritance: Autosomal recessive inheritance. Affected: yes.
Comment: Based on the classification scheme VCGS_Germline_v1.3.5, this variant is classified as Likely pathogenic. Following criteria are met: 0102 - Loss of function is a known mechanism of disease in this gene and is associated with Dihydropyrimidinase deficiency (MIM#222748). (I) 0106 - This gene is associated with autosomal recessive disease. (I) 0112 - The condition associated with this gene has incomplete penetrance. The clinical presentation can be highly variable, with compound heterozygous or homozygous individuals also reported as asymptomatic (OMIM, PMID: 20362666). (I) 0212 - Non-canonical splice site variant without proven consequence on splicing (no functional evidence available). (SP) 0251 - This variant is heterozygous. (I) 0304 - Variant is present in gnomAD (v4) <0.01 for a recessive condition (15 heterozygotes, 0 homozygotes). (SP) 0505 - Abnormal splicing is predicted by in silico tools and affected nucleotide is highly conserved. (SP) 0705 - No comparable splice variants have previous evidence for pathogenicity. (I) 0802 - This variant has moderate previous evidence of pathogenicity in unrelated individuals. A variant in the same splice region with the same predicted outcome (c.1092+3delG) is homozygous in two unrelated individuals and reported as likely pathogenic in ClinVar (PMID: 20362666). (SP) 0905 - No published segregation evidence has been identified for this variant. (I) 1007 - No published functional evidence has been identified for this variant. (I) 1101 - Very strong and specific phenotype match for this individual. (I) Legend: (SP) - Supporting pathogenic, (I) - Information, (SB) - Supporting benign

Labcorp Genetics (formerly Invitae), Labcorp
Classification: Likely pathogenic. Last evaluated: 2023-05-05. Review status: criteria provided, single submitter. Criteria: Invitae Variant Classification Sherloc (09022015). Collection method: clinical testing. Allele origin: germline.
Comment: This sequence change falls in intron 6 of the DPYS gene. It does not directly change the encoded amino acid sequence of the DPYS protein. It affects a nucleotide within the consensus splice site. This variant is present in population databases (rs756733436, gnomAD 0.006%). This variant has been observed in individual(s) with DPYS deficiency (PMID: 20362666). This variant is also known as c.1092+3delG. Variants that disrupt the consensus splice site are a relatively common cause of aberrant splicing (PMID: 17576681, 9536098). Algorithms developed to predict the effect of sequence changes on RNA splicing suggest that this variant may disrupt the consensus splice site. In summary, the currently available evidence indicates that the variant is pathogenic, but additional data are needed to prove that conclusively. Therefore, this variant has been classified as Likely Pathogenic.

Dr. Peter K. Rogan Lab, Western University
No classification provided (evidence only). Condition: Hepatocellular carcinoma. Review status: no classification provided. Collection method: in vitro. Allele origin: not applicable. Functional consequence: retained intron. Not counted in ClinVar's aggregate classification.

Literature cited by the submitters: PubMed 20362666 (cited by 3 submitters); PubMed 29054612 (cited by Victorian Clinical Genetics Services, Murdoch Childrens Research Institute); PubMed 17576681 (cited by Labcorp Genetics (formerly Invitae), Labcorp); PubMed 9536098 (cited by Labcorp Genetics (formerly Invitae), Labcorp).